The following is an entry in ClinVar:

ClinVar aggregate classification (germline): Uncertain significance (1 of 4 stars; one submission).

Conditions:
TJP2-related disorder. Also called: TJP2-related condition.

gnomAD v4.1: 2 of 1,608,176 alleles (0.00012%); highest among the groups gnomAD compares: African/African-American, 0.0013%; no homozygotes.

Submission:

PreventionGenetics, part of Exact Sciences
Classification: Uncertain significance for TJP2-related condition. Last evaluated: 2025-05-01. Review status: criteria provided, single submitter. Criteria: ACMG Guidelines, 2015. Collection method: clinical testing. Allele origin: germline.
Comment: The TJP2 c.733A>G variant is predicted to result in the amino acid substitution p.Ile245Val. To our knowledge, this variant has not been reported in the literature. This variant is reported in 0.023% of alleles in individuals of African descent in gnomAD. At this time, the clinical significance of this variant is uncertain due to the absence of conclusive functional and genetic evidence.

NM_004817.4(TJP2):c.733A>G (p.Ile245Val)

Gene: TJP2 (tight junction protein 2; plus strand). Cytogenetic location: 9q21.11.
Variant type: single nucleotide variant.
Coding change: c.733A>G on transcript NM_004817.4 (MANE Select); coding-DNA position 733, A replaced by G.
Protein change: p.Ile245Val; replaces isoleucine 245 with valine.
Molecular consequence: missense variant.
Genome position (GRCh38, 1-based): chr9:69,221,277, A>G. VCF-style: chr9-69221277-A-G. GRCh37 (hg19) VCF-style: chr9-71836193-A-G.
Other names: c.664A>G, p.Ile222Val (NM_001170414.2, NM_001369870.1, NM_001369871.1); c.745A>G, p.Ile249Val (NM_001170415.1, NM_001369874.1, NM_001369875.1); c.826A>G, p.Ile276Val (NM_001170416.2); c.733A>G, p.Ile245Val (NM_001369872.1, NM_001369873.1, NM_201629.3); short protein forms I222V, I276V, I245V, I249V.
Identifiers: ClinVar variation 4982028 (VCV004982028.1).